The following is an entry in ClinVar:

NM_001005373.4(LRSAM1):c.1159+3G>A

Gene: LRSAM1 (leucine rich repeat and sterile alpha motif containing 1; plus strand). Cytogenetic location: 9q33.3.
Variant type: single nucleotide variant.
Coding change: c.1159+3G>A on transcript NM_001005373.4 (MANE Select); 3 bases into the intron after coding-DNA position 1159, G replaced by A.
Molecular consequence: intron variant.
Genome position (GRCh38, 1-based): chr9:127,483,023, G>A. VCF-style: chr9-127483023-G-A. GRCh37 (hg19) VCF-style: chr9-130245302-G-A.
Other names: c.1159+3G>A (NM_138361.5, NM_001384142.1, NM_001384143.1 and 2 more transcripts); c.370+3G>A (NM_001384144.1).
Identifiers: ClinVar variation 1906882 (VCV001906882.5), dbSNP rs1311611888, ClinGen allele CA590592838.

ClinVar aggregate classification (germline): Uncertain significance (1 of 4 stars; one submission).

Conditions:
Charcot-Marie-Tooth disease axonal type 2P. Also called: CHARCOT-MARIE-TOOTH NEUROPATHY, TYPE 2P; Charcot-Marie-Tooth Neuropathy Type 2G; CHARCOT-MARIE-TOOTH DISEASE, AXONAL, TYPE 2G; CMT 2G. Identifiers: Orphanet 300319, Orphanet 99941, MedGen C3280797, MONDO:0013753, OMIM 614436.

Allele frequency attached by ClinVar (database versions not stated): TOPMed below 0.00001.

Submission:

Labcorp Genetics (formerly Invitae), Labcorp
Classification: Uncertain significance for Charcot-Marie-Tooth disease axonal type 2P. Last evaluated: 2023-11-17. Review status: criteria provided, single submitter. Criteria: Invitae Variant Classification Sherloc (09022015). Collection method: clinical testing. Allele origin: germline.
Comment: This sequence change falls in intron 15 of the LRSAM1 gene. It does not directly change the encoded amino acid sequence of the LRSAM1 protein. It affects a nucleotide within the consensus splice site. This variant is not present in population databases (gnomAD no frequency). This variant has not been reported in the literature in individuals affected with LRSAM1-related conditions. ClinVar contains an entry for this variant (Variation ID: 1906882). Variants that disrupt the consensus splice site are a relatively common cause of aberrant splicing (PMID: 17576681, 9536098). Algorithms developed to predict the effect of sequence changes on RNA splicing suggest that this variant is not likely to affect RNA splicing. In summary, the available evidence is currently insufficient to determine the role of this variant in disease. Therefore, it has been classified as a Variant of Uncertain Significance.

Literature cited by the submitters: PubMed 17576681; PubMed 9536098.